The following is an entry in ClinVar:

NM_000350.3(ABCA4):c.1099+80A>G

Gene: ABCA4 (ATP binding cassette subfamily A member 4; minus strand). Cytogenetic location: 1p22.1.
Variant type: single nucleotide variant.
Coding change: c.1099+80A>G on transcript NM_000350.3 (MANE Select); 80 bases into the intron after coding-DNA position 1099, A replaced by G.
Molecular consequence: intron variant.
Genome position (GRCh38, 1-based): chr1:94,080,398, T>C on the plus strand (A>G on the coding strand, the complement: ABCA4 is on the minus strand). VCF-style: chr1-94080398-T-C. GRCh37 (hg19) VCF-style: chr1-94545954-T-C.
Identifiers: ClinVar variation 1707292 (VCV001707292.2), dbSNP rs75926906, ClinGen allele CA26870250.

ClinVar aggregate classification (germline): Likely benign (1 of 4 stars; one submission).

Allele frequency attached by ClinVar (database versions not stated): gnomAD exomes 0.00076; 1000 Genomes Project 0.00719; 1000 Genomes Project 30x 0.00781; gnomAD 0.00810; TOPMed 0.00908.
gnomAD v4.1: 2,343 of 1,582,466 alleles (0.15%); highest among the groups gnomAD compares: African/African-American, 2.9%; 37 homozygotes.

Submission:

GeneDx
Classification: Likely benign. Last evaluated: 2018-10-19. Review status: criteria provided, single submitter. Criteria: GeneDx Variant Classification Process June 2021. Collection method: clinical testing. Allele origin: germline. Affected: yes.
Comment: See Variant Classification Assertion Criteria.